The following is an entry in ClinVar:

ClinVar aggregate classification (germline): Uncertain significance (1 of 4 stars; one submission).

Conditions:
Nemaline myopathy 2 (NEM2). Also called: Nemaline myopathy 2, autosomal recessive. Identifiers: MedGen C1850569, MONDO:0009725, OMIM 256030.

Allele frequency attached by ClinVar (database versions not stated): gnomAD exomes 0.00001.
gnomAD v4.1: 7 of 1,528,130 alleles (0.00046%); highest among the groups gnomAD compares: Non-Finnish European, 0.00063%; no homozygotes.

Submission:

Labcorp Genetics (formerly Invitae), Labcorp
Classification: Uncertain significance for Nemaline myopathy 2. Last evaluated: 2022-08-16. Review status: criteria provided, single submitter. Criteria: Invitae Variant Classification Sherloc (09022015). Collection method: clinical testing. Allele origin: germline.
Comment: This sequence change replaces tyrosine, which is neutral and polar, with cysteine, which is neutral and slightly polar, at codon 6125 of the NEB protein (p.Tyr6125Cys). This variant is not present in population databases (gnomAD no frequency). This variant has not been reported in the literature in individuals affected with NEB-related conditions. ClinVar contains an entry for this variant (Variation ID: 936521). Algorithms developed to predict the effect of missense changes on protein structure and function are either unavailable or do not agree on the potential impact of this missense change (SIFT: "Deleterious"; PolyPhen-2: "Not Available"; Align-GVGD: "Class C0"). Algorithms developed to predict the effect of sequence changes on RNA splicing suggest that this variant may create or strengthen a splice site. In summary, the available evidence is currently insufficient to determine the role of this variant in disease. Therefore, it has been classified as a Variant of Uncertain Significance.

NM_001164508.2(NEB):c.18374A>G (p.Tyr6125Cys)

Gene: NEB (nebulin; minus strand). Cytogenetic location: 2q23.3.
Variant type: single nucleotide variant.
Coding change: c.18374A>G on transcript NM_001164508.2 (MANE Select); coding-DNA position 18374, A replaced by G.
Protein change: p.Tyr6125Cys; replaces tyrosine 6125 with cysteine.
Molecular consequence: missense variant.
Genome position (GRCh38, 1-based): chr2:151,565,141, T>C on the plus strand (A>G on the coding strand, the complement: NEB is on the minus strand). VCF-style: chr2-151565141-T-C. GRCh37 (hg19) VCF-style: chr2-152421655-T-C.
Other names: c.18374A>G, p.Tyr6125Cys (NM_001164507.2, NM_001271208.2); c.13271A>G, p.Tyr4424Cys (NM_004543.5); short protein forms Y6125C, Y4424C.
Identifiers: ClinVar variation 936521 (VCV000936521.6), dbSNP rs2096294914, ClinGen allele CA348800864.
Genomic context (GRCh38, chr2:151,565,141, plus strand): 5'-ATATGTGGTGTATCTGGTGAAAACGTATATTTGCCCTTTGCTTTATTAAATGTTTCTTTA[T>C]ATTTTACCTAAGGAGAGAAAACCAAATCTTTTATTACTATAAATGAATATTAAATTTTTA-3'
Protein context (NP_001157980.2, residues 6115-6135): INSVNQSDVK[Tyr6125Cys]KETFNKAKGK